The following is an entry in ClinVar:

NM_003738.5(PTCH2):c.2572A>G (p.Met858Val)

Gene: PTCH2 (patched 2; minus strand). Cytogenetic location: 1p34.1.
Variant type: single nucleotide variant.
Coding change: c.2572A>G on transcript NM_003738.5 (MANE Select); coding-DNA position 2572, A replaced by G.
Protein change: p.Met858Val; replaces methionine 858 with valine.
Molecular consequence: missense variant.
Genome position (GRCh38, 1-based): chr1:44,827,025, T>C on the plus strand (A>G on the coding strand, the complement: PTCH2 is on the minus strand). VCF-style: chr1-44827025-T-C. GRCh37 (hg19) VCF-style: chr1-45292697-T-C.
Other names: c.2572A>G, p.Met858Val (NM_001166292.2); short protein forms M858V.
Identifiers: ClinVar variation 2413277 (VCV002413277.9), dbSNP rs374498312, ClinGen allele CA822961.

ClinVar aggregate classification (germline): Uncertain significance (1 of 4 stars; one submission).

Conditions:
Gorlin syndrome. Also called: Nevoid Basal Cell Carcinoma Syndrome; Basal cell nevus syndrome. Identifiers: Orphanet 377, MedGen C0004779, MONDO:0007187.

Allele frequency attached by ClinVar (database versions not stated): ESP Exome Variant Server 0.00008.
gnomAD v4.1: 10 of 1,613,964 alleles (0.00062%); highest among the groups gnomAD compares: African/African-American, 0.008%; no homozygotes.

Submission:

Labcorp Genetics (formerly Invitae), Labcorp
Classification: Uncertain significance for Gorlin syndrome. Last evaluated: 2022-02-27. Review status: criteria provided, single submitter. Criteria: Invitae Variant Classification Sherloc (09022015). Collection method: clinical testing. Allele origin: germline.
Comment: This variant has not been reported in the literature in individuals affected with PTCH2-related conditions. This sequence change replaces methionine, which is neutral and non-polar, with valine, which is neutral and non-polar, at codon 858 of the PTCH2 protein (p.Met858Val). This variant is present in population databases (rs374498312, gnomAD 0.01%). Algorithms developed to predict the effect of missense changes on protein structure and function output the following: SIFT: "Tolerated"; PolyPhen-2: "Benign"; Align-GVGD: "Class C0". The valine amino acid residue is found in multiple mammalian species, which suggests that this missense change does not adversely affect protein function. In summary, the available evidence is currently insufficient to determine the role of this variant in disease. Therefore, it has been classified as a Variant of Uncertain Significance.